The following is an entry in ClinVar:

NM_000053.4(ATP7B):c.2997C>G (p.Thr999=)

Gene: ATP7B (ATPase copper transporting beta; minus strand). Cytogenetic location: 13q14.3.
Variant type: single nucleotide variant.
Coding change: c.2997C>G on transcript NM_000053.4 (MANE Select); coding-DNA position 2997, C replaced by G.
Protein change: p.Thr999=; no amino-acid change (threonine 999 retained).
Molecular consequence: synonymous variant.
Genome position (GRCh38, 1-based): chr13:51,946,347, G>C on the plus strand (C>G on the coding strand, the complement: ATP7B is on the minus strand). VCF-style: chr13-51946347-G-C. GRCh37 (hg19) VCF-style: chr13-52520483-G-C.
Other names: c.2376C>G, p.Thr792= (NM_001005918.3); c.2664C>G, p.Thr888= (NM_001243182.2); c.2763C>G, p.Thr921= (NM_001330578.2); c.2745C>G, p.Thr915= (NM_001330579.2).
Identifiers: ClinVar variation 702626 (VCV000702626.18), dbSNP rs199581971, ClinGen allele CA6988841.

ClinVar aggregate classification (germline): Likely benign. Review status: criteria provided, multiple submitters, no conflicts (2 of 4 stars). 6 submissions from 6 submitters: Likely benign (5). 1 of the submissions does not count toward it. Last evaluated 2026-01-28.

Conditions:
Inborn genetic diseases. Identifiers: MedGen C0950123, MeSH D030342.
Wilson disease (WND). Also called: Wilson's disease. Identifiers: Orphanet 905, MedGen C0019202, MONDO:0010200, OMIM 277900. Disease mechanism: loss of function.

Allele frequency attached by ClinVar (database versions not stated): TOPMed 0.00001.
gnomAD v4.1: 53 of 1,611,370 alleles (0.0033%); highest among the groups gnomAD compares: Non-Finnish European, 0.0043%; no homozygotes.

Submissions (6):

Labcorp Genetics (formerly Invitae), Labcorp
Classification: Likely benign for Wilson disease. Last evaluated: 2026-01-28. Review status: criteria provided, single submitter. Criteria: Invitae Variant Classification Sherloc (09022015). Collection method: clinical testing. Allele origin: germline.

Blueprint Genetics
Classification: Likely benign. Last evaluated: 2024-10-17. Review status: criteria provided, single submitter. Criteria: ACMG Guidelines, 2015. Collection method: clinical testing. Allele origin: germline.

All of Us Research Program, National Institutes of Health
Classification: Likely benign for Wilson disease. Last evaluated: 2023-11-30. Review status: criteria provided, single submitter. Criteria: ACMG Guidelines, 2015. Collection method: clinical testing. Allele origin: germline. Inheritance: Autosomal recessive inheritance. Observed: 18 variant alleles, 18 heterozygotes.
Comment: This study involves interpretation of variants in research participants for the purpose of population health screening. Participant phenotype was not available at the time of variant classification. Additional details can be found in publication PMID: 35346344, PMCID: PMC8962531

Color Diagnostics, LLC DBA Color Health
Classification: Likely benign for Wilson disease. Last evaluated: 2022-08-05. Review status: criteria provided, single submitter. Criteria: ACMG Guidelines, 2015. Collection method: clinical testing. Allele origin: germline.

Ambry Genetics
Classification: Likely benign for Inborn genetic diseases. Last evaluated: 2022-06-12. Review status: criteria provided, single submitter. Criteria: Ambry Variant Classification Scheme 2023. Collection method: clinical testing. Allele origin: germline.

Natera, Inc.
Classification: Likely benign for Wilson disease. Last evaluated: 2020-02-04. Review status: no assertion criteria provided. Collection method: clinical testing. Allele origin: germline. Not counted in ClinVar's aggregate classification.